The following is an entry in ClinVar:

NM_001851.6(COL9A1):c.1287+2T>C

Gene: COL9A1 (collagen type IX alpha 1 chain; minus strand). Cytogenetic location: 6q13.
Variant type: single nucleotide variant.
Coding change: c.1287+2T>C on transcript NM_001851.6 (MANE Select); the canonical splice donor site of the intron after coding-DNA position 1287, T replaced by C.
Molecular consequence: splice donor variant.
Genome position (GRCh38, 1-based): chr6:70,268,802, A>G on the plus strand (T>C on the coding strand, the complement: COL9A1 is on the minus strand). VCF-style: chr6-70268802-A-G. GRCh37 (hg19) VCF-style: chr6-70978505-A-G.
Other names: c.558+2T>C (NM_001377290.1, NM_078485.4, NM_001377289.1).
Identifiers: ClinVar variation 2126073 (VCV002126073.4), dbSNP rs2483387310, ClinGen allele CA364680800.

ClinVar aggregate classification (germline): Likely pathogenic (1 of 4 stars; one submission).

Submission:

Labcorp Genetics (formerly Invitae), Labcorp
Classification: Likely pathogenic. Last evaluated: 2022-04-13. Review status: criteria provided, single submitter. Criteria: Invitae Variant Classification Sherloc (09022015). Collection method: clinical testing. Allele origin: germline.
Comment: In summary, the currently available evidence indicates that the variant is pathogenic, but additional data are needed to prove that conclusively. Therefore, this variant has been classified as Likely Pathogenic. Algorithms developed to predict the effect of sequence changes on RNA splicing suggest that this variant may disrupt the consensus splice site. This variant has not been reported in the literature in individuals affected with COL9A1-related conditions. This variant is not present in population databases (gnomAD no frequency). This sequence change affects a donor splice site in intron 17 of the COL9A1 gene. It is expected to disrupt RNA splicing. Variants that disrupt the donor or acceptor splice site typically lead to a loss of protein function (PMID: 16199547), and loss-of-function variants in COL9A1 are known to be pathogenic (PMID: 16909383, 21421862).

Literature cited by the submitters: PubMed 16199547; PubMed 16909383; PubMed 21421862.